The following is an entry in ClinVar:

ClinVar aggregate classification (germline): Uncertain significance. Review status: criteria provided, multiple submitters, no conflicts (2 of 4 stars). 2 submissions from 2 submitters: Uncertain significance (2). Last evaluated 2025-07-03.

Conditions:
Inborn genetic diseases. Identifiers: MedGen C0950123, MeSH D030342.
Progressive myoclonic epilepsy. Also called: Myoclonic Epilepsies, Progressive; Progressive myoclonus epilepsy; Familial progressive myoclonic epilepsy; Myoclonus epilepsy. Identifiers: Orphanet 308, Orphanet 98261, MedGen C0751778, MONDO:0020074.

Allele frequency attached by ClinVar (database versions not stated): gnomAD 0.00001; TOPMed 0.00001.

Submissions (2):

Ambry Genetics
Classification: Uncertain significance for Inborn genetic diseases. Last evaluated: 2025-07-03. Review status: criteria provided, single submitter. Criteria: Ambry Variant Classification Scheme 2023. Collection method: clinical testing. Allele origin: germline.

Labcorp Genetics (formerly Invitae), Labcorp
Classification: Uncertain significance for Progressive myoclonic epilepsy. Last evaluated: 2021-09-01. Review status: criteria provided, single submitter. Criteria: Invitae Variant Classification Sherloc (09022015). Collection method: clinical testing. Allele origin: germline.
Comment: This sequence change replaces arginine with glutamine at codon 82 of the SCARB2 protein (p.Arg82Gln). The arginine residue is weakly conserved and there is a small physicochemical difference between arginine and glutamine. This variant is not present in population databases (ExAC no frequency). This variant has not been reported in the literature in individuals affected with SCARB2-related conditions. Algorithms developed to predict the effect of missense changes on protein structure and function output the following: SIFT: "Tolerated"; PolyPhen-2: "Benign"; Align-GVGD: "Class C0". The glutamine amino acid residue is found in multiple mammalian species, which suggests that this missense change does not adversely affect protein function. In summary, the available evidence is currently insufficient to determine the role of this variant in disease. Therefore, it has been classified as a Variant of Uncertain Significance.

NM_005506.4(SCARB2):c.245G>A (p.Arg82Gln)

Gene: SCARB2 (scavenger receptor class B member 2; minus strand). Cytogenetic location: 4q21.1.
Variant type: single nucleotide variant.
Coding change: c.245G>A on transcript NM_005506.4 (MANE Select); coding-DNA position 245, G replaced by A.
Protein change: p.Arg82Gln; replaces arginine 82 with glutamine.
Molecular consequence: missense variant.
Genome position (GRCh38, 1-based): chr4:76,195,737, C>T on the plus strand (G>A on the coding strand, the complement: SCARB2 is on the minus strand). VCF-style: chr4-76195737-C-T. GRCh37 (hg19) VCF-style: chr4-77116890-C-T.
Other names: c.245G>A, p.Arg82Gln (NM_001204255.2); c.245G>A (NM_005506.3); short protein forms R82Q.
Identifiers: ClinVar variation 1520025 (VCV001520025.6), dbSNP rs1422181706, ClinGen allele CA357327491.